The following is an entry in ClinVar:

NM_004656.4(BAP1):c.1687C>T (p.His563Tyr)

Gene: BAP1 (BRCA1 associated deubiquitinase 1; minus strand). Cytogenetic location: 3p21.1.
Variant type: single nucleotide variant.
Coding change: c.1687C>T on transcript NM_004656.4 (MANE Select); coding-DNA position 1687, C replaced by T.
Protein change: p.His563Tyr; replaces histidine 563 with tyrosine.
Molecular consequence: missense variant.
Genome position (GRCh38, 1-based): chr3:52,403,458, G>A on the plus strand (C>T on the coding strand, the complement: BAP1 is on the minus strand). VCF-style: chr3-52403458-G-A. GRCh37 (hg19) VCF-style: chr3-52437474-G-A.
Other names: short protein forms H563Y.
Identifiers: ClinVar variation 565531 (VCV000565531.11), dbSNP rs1559586451, ClinGen allele CA353099844.

ClinVar aggregate classification (germline): Uncertain significance. Review status: criteria provided, multiple submitters, no conflicts (2 of 4 stars). 3 submissions from 3 submitters: Uncertain significance (3). Last evaluated 2024-06-28.

Conditions:
Hereditary cancer-predisposing syndrome. Also called: Hereditary neoplastic syndrome; Neoplastic Syndromes, Hereditary; Tumor predisposition; Hereditary Cancer Syndrome. Identifiers: Orphanet 140162, MedGen C0027672, MeSH D009386, MONDO:0015356.
BAP1-related tumor predisposition syndrome (TPDS1). Also called: TUMOR PREDISPOSITION SYNDROME 1; Tumor susceptibility linked to germline BAP1 mutations; BAP1 tumor predisposition syndrome; COMMON Syndrome. Identifiers: Orphanet 289539, MedGen C3280492, MONDO:0013692, OMIM 614327.

gnomAD v4.1: 1 of 1,613,944 alleles (0.000062%); no homozygotes.

Submissions (3):

Ambry Genetics
Classification: Uncertain significance for Hereditary cancer-predisposing syndrome. Last evaluated: 2024-06-28. Review status: criteria provided, single submitter. Criteria: Ambry Variant Classification Scheme 2023. Collection method: clinical testing. Allele origin: germline.
Comment: The p.H563Y variant (also known as c.1687C>T), located in coding exon 13 of the BAP1 gene, results from a C to T substitution at nucleotide position 1687. The histidine at codon 563 is replaced by tyrosine, an amino acid with similar properties. This amino acid position is well conserved in available vertebrate species. In addition, the in silico prediction for this alteration is inconclusive. Since supporting evidence is limited at this time, the clinical significance of this alteration remains unclear.

Labcorp Genetics (formerly Invitae), Labcorp
Classification: Uncertain significance for BAP1-related tumor predisposition syndrome. Last evaluated: 2024-05-29. Review status: criteria provided, single submitter. Criteria: Invitae Variant Classification Sherloc (09022015). Collection method: clinical testing. Allele origin: germline.
Comment: This sequence change replaces histidine, which is basic and polar, with tyrosine, which is neutral and polar, at codon 563 of the BAP1 protein (p.His563Tyr). This variant is not present in population databases (gnomAD no frequency). This variant has not been reported in the literature in individuals affected with BAP1-related conditions. ClinVar contains an entry for this variant (Variation ID: 565531). Advanced modeling of protein sequence and biophysical properties (such as structural, functional, and spatial information, amino acid conservation, physicochemical variation, residue mobility, and thermodynamic stability) performed at Invitae indicates that this missense variant is not expected to disrupt BAP1 protein function with a negative predictive value of 80%. In summary, the available evidence is currently insufficient to determine the role of this variant in disease. Therefore, it has been classified as a Variant of Uncertain Significance.

Color Diagnostics, LLC DBA Color Health
Classification: Uncertain significance for Hereditary cancer-predisposing syndrome. Last evaluated: 2024-03-06. Review status: criteria provided, single submitter. Criteria: ACMG Guidelines, 2015. Collection method: clinical testing. Allele origin: germline.
Comment: This missense variant replaces histidine with tyrosine at codon 563 of the BAP1 protein. Computational prediction suggests that this variant may not impact protein structure and function (internally defined REVEL score threshold <= 0.5, PMID: 27666373). To our knowledge, functional studies have not been reported for this variant. This variant has not been reported in individuals affected with hereditary cancer in the literature. This variant has not been identified in the general population by the Genome Aggregation Database (gnomAD). The available evidence is insufficient to determine the role of this variant in disease conclusively. Therefore, this variant is classified as a Variant of Uncertain Significance.